The following is an entry in ClinVar:

NM_001387690.1(KATNAL2):c.51+16436G>A

Gene: KATNAL2 (katanin catalytic subunit A1 like 2; plus strand). Cytogenetic location: 18q21.1.
Variant type: single nucleotide variant.
Coding change: c.51+16436G>A on transcript NM_001387690.1 (MANE Select); 16436 bases into the intron after coding-DNA position 51, G replaced by A.
Molecular consequence: intron variant.
Genome position (GRCh38, 1-based): chr18:46,963,359, G>A. VCF-style: chr18-46963359-G-A. GRCh37 (hg19) VCF-style: chr18-44543322-G-A.
Other names: c.-2+16436G>A (NM_001353904.1, NM_001353903.1, NM_001353907.1 and 3 more transcripts); c.129+16436G>A (NM_001353899.1, NM_001353900.1, NM_001353902.1); c.51+16436G>A (NM_001353901.1, NM_001367621.1); c.-295+16436G>A (NM_001353905.1); c.-95+16436G>A (NM_031303.3).
Identifiers: ClinVar variation 3898756 (VCV003898756.7).

ClinVar aggregate classification (germline): Likely benign (1 of 4 stars; one submission).

Submission:

CeGaT Center for Human Genetics Tuebingen
Classification: Likely benign. Last evaluated: 2025-04-01. Review status: criteria provided, single submitter. Criteria: CeGaT Center For Human Genetics Tuebingen Variant Classification Criteria Version 2. Collection method: clinical testing. Allele origin: germline. Affected: yes. Observed: 1 variant allele.
Comment: ELOA3DP: BP4, BP7